The following is an entry in ClinVar:

ClinVar aggregate classification (germline): Pathogenic/Likely pathogenic. Review status: criteria provided, multiple submitters, no conflicts (2 of 4 stars). 3 submissions from 3 submitters: Pathogenic (1); Likely pathogenic (1). 1 of the submissions does not count toward it. Last evaluated 2025-09-12.

Conditions:
Hereditary cancer-predisposing syndrome. Also called: Neoplastic Syndromes, Hereditary; Hereditary Cancer Syndrome; Hereditary neoplastic syndrome; Tumor predisposition. Identifiers: Orphanet 140162, MedGen C0027672, MeSH D009386, MONDO:0015356.
Fanconi anemia (FA). Also called: Fanconi's anemia. Identifiers: Orphanet 84, MedGen C0015625, MeSH D005199, MONDO:0019391.
Fanconi anemia complementation group C (FANCC). Also called: Fanconi anemia, group C; FANCONI PANCYTOPENIA, TYPE 3; FACC; FANCC-Related Fanconi Anemia. Identifiers: Orphanet 84, MedGen C3468041, MONDO:0009213, OMIM 227645.

Allele frequency attached by ClinVar (database versions not stated): gnomAD exomes below 0.00001.

Submissions (3):

Natera, Inc.
Classification: Likely pathogenic for Fanconi anemia. Last evaluated: 2025-09-12. Review status: criteria provided, single submitter. Criteria: Natera Variant Classification Schema (03/2026). Collection method: clinical testing. Allele origin: germline.
Comment: The c.3G>T variant in FANCC is predicted to result in start loss due to disruption of the initiator methionine. This variant is expected to result in nonsense mediated decay, truncation, or a dysfunctional protein product. This variant is rare in the general population with a frequency below the threshold expected for the associated phenotype(s). Given the available evidence, this variant is classified as Likely Pathogenic.

Ambry Genetics
Classification: Pathogenic for Hereditary cancer-predisposing syndrome. Last evaluated: 2021-09-15. Review status: criteria provided, single submitter. Criteria: Ambry Variant Classification Scheme 2023. Collection method: clinical testing. Allele origin: germline.
Comment: The p.M1? pathogenic mutation (also known as c.3G>T) is located in coding exon 1 of the FANCC gene and results from a G to T substitution at nucleotide position 3. This alters the methionine residue at the initiation codon (ATG). Although there is an alternate in-frame methionine 16 amino acids downstream from the initiation site, alterations truncating the protein between p.M1 and p.M16 are identified in many patients with Fanconi Anemia (Chandrasekharappa SC et al. Blood, 2013 May;121:e138-48; Steinberg-Shemer O et al. Haematologica, 2020 07;105:1825-1834; Murer-Orlando M et al. Lancet, 1993 Sep;342:686; Verlander PC et al. Am J Hum Genet, 1994 Apr;54:595-601; Gillio AP et al. Blood, 1997 Jul;90:105-10; Nicchia E et al. Mol Genet Genomic Med, 2015 Nov;3:500-12). In addition to the clinical data presented in the literature, sequence variations that modify the initiation codon are expected to result in either loss of translation initiation, N-terminal truncation, or cause a shift in the mRNA reading frame. Based on the supporting evidence, this alteration is interpreted as a disease-causing mutation.

Counsyl
Classification: Likely pathogenic for Fanconi anemia complementation group C. Last evaluated: 2018-03-07. Review status: no assertion criteria provided. Collection method: clinical testing. Allele origin: unknown. Not counted in ClinVar's aggregate classification.

Literature cited by the submitters: PubMed 23613520 (cited by Ambry Genetics); PubMed 26740942 (cited by Ambry Genetics); PubMed 31558676 (cited by Ambry Genetics); PubMed 8103176 (cited by Ambry Genetics); PubMed 8128956 (cited by Ambry Genetics); PubMed 9207444 (cited by Ambry Genetics); PubMed 8639804 (cited by Counsyl).

NM_000136.3(FANCC):c.3G>T (p.Met1Ile)

Gene: FANCC (FA complementation group C; minus strand). Cytogenetic location: 9q22.32.
Variant type: single nucleotide variant.
Coding change: c.3G>T on transcript NM_000136.3 (MANE Select); coding-DNA position 3, G replaced by T.
Protein change: p.Met1Ile; changes the start codon (methionine 1).
Molecular consequence: missense variant, initiator codon variant.
Genome position (GRCh38, 1-based): chr9:95,249,289, C>A on the plus strand (G>T on the coding strand, the complement: FANCC is on the minus strand). VCF-style: chr9-95249289-C-A. GRCh37 (hg19) VCF-style: chr9-98011571-C-A.
Other names: c.3G>T, p.Met1Ile (NM_001243743.2, NM_001243744.2); short protein forms M1I.
Identifiers: ClinVar variation 557034 (VCV000557034.8), dbSNP rs1368374192, ClinGen allele CA374340546.